The following is an entry in ClinVar:

NM_201384.3(PLEC):c.4949A>T (p.Glu1650Val)

Gene: PLEC (plectin; minus strand). Cytogenetic location: 8q24.3.
Variant type: single nucleotide variant.
Coding change: c.4949A>T on transcript NM_201384.3 (MANE Select); coding-DNA position 4949, A replaced by T.
Protein change: p.Glu1650Val; replaces glutamic acid 1650 with valine.
Molecular consequence: missense variant.
Genome position (GRCh38, 1-based): chr8:143,924,980, T>A on the plus strand (A>T on the coding strand, the complement: PLEC is on the minus strand). VCF-style: chr8-143924980-T-A. GRCh37 (hg19) VCF-style: chr8-144999148-T-A.
Other names: c.5030A>T, p.Glu1677Val (NM_000445.5); c.4907A>T, p.Glu1636Val (NM_201378.4); c.4883A>T, p.Glu1628Val (NM_201379.3); c.5360A>T, p.Glu1787Val (NM_201380.4); c.4853A>T, p.Glu1618Val (NM_201381.3); c.4949A>T, p.Glu1650Val (NM_201382.4); c.4961A>T, p.Glu1654Val (NM_201383.3); short protein forms E1618V, E1628V, E1636V, E1650V, E1654V, E1677V, E1787V.
Identifiers: ClinVar variation 1061873 (VCV001061873.5), dbSNP rs2131442848, ClinGen allele CA372551363.

ClinVar aggregate classification (germline): Uncertain significance (1 of 4 stars; one submission).

Conditions:
Epidermolysis bullosa simplex with nail dystrophy (EBS5D). Identifiers: MedGen C4225309, MONDO:0014661, OMIM 616487.
Epidermolysis bullosa simplex 5C, with pyloric atresia (EBS5C). Also called: PLEC-Related Epidermolysis Bullosa with Pyloric Atresia; Epidermolysis bullosa simplex with pyloric atresia; PLEC1-Related Epidermolysis Bullosa with Pyloric Atresia. Identifiers: Orphanet 158684, MedGen C2677349, MONDO:0012807, OMIM 612138.
Epidermolysis bullosa simplex 5B, with muscular dystrophy (EBS5B). Also called: Epidermolysis bullosa simplex with muscular dystrophy; EPIDERMOLYSIS BULLOSA SIMPLEX AND LIMB-GIRDLE MUSCULAR DYSTROPHY. Identifiers: Orphanet 257, MedGen C2931072, MONDO:0009181, OMIM 226670.
Epidermolysis bullosa simplex, Ogna type (EBS5A). Also called: Pidermolysis bullosa simplex 5A, Ogna type; EPIDERMOLYSIS BULLOSA SIMPLEX 5A, OGNA TYPE. Identifiers: Orphanet 79401, MedGen C0432317, MONDO:0007555, OMIM 131950.
Autosomal recessive limb-girdle muscular dystrophy type 2Q (LGMDR17). Also called: MUSCULAR DYSTROPHY, LIMB-GIRDLE, AUTOSOMAL RECESSIVE 17. Identifiers: Orphanet 254361, MedGen C3150989, MONDO:0013390, OMIM 613723.

Allele frequency attached by ClinVar (database versions not stated): gnomAD exomes below 0.00001.
gnomAD v4.1: 4 of 1,577,352 alleles (0.00025%); highest among the groups gnomAD compares: Non-Finnish European, 0.00034%; no homozygotes.

Submission:

Labcorp Genetics (formerly Invitae), Labcorp
Classification: Uncertain significance for Autosomal recessive limb-girdle muscular dystrophy type 2Q; Epidermolysis bullosa simplex, Ogna type; Epidermolysis bullosa simplex with nail dystrophy; Epidermolysis bullosa simplex 5C, with pyloric atresia; Epidermolysis bullosa simplex 5B, with muscular dystrophy. Last evaluated: 2022-07-12. Review status: criteria provided, single submitter. Criteria: Invitae Variant Classification Sherloc (09022015). Collection method: clinical testing. Allele origin: germline.
Comment: In summary, the available evidence is currently insufficient to determine the role of this variant in disease. Therefore, it has been classified as a Variant of Uncertain Significance. Algorithms developed to predict the effect of missense changes on protein structure and function are either unavailable or do not agree on the potential impact of this missense change (SIFT: "Deleterious"; PolyPhen-2: "Not Available"; Align-GVGD: "Class C65"). ClinVar contains an entry for this variant (Variation ID: 1061873). This variant has not been reported in the literature in individuals affected with PLEC-related conditions. This variant is not present in population databases (gnomAD no frequency). This sequence change replaces glutamic acid, which is acidic and polar, with valine, which is neutral and non-polar, at codon 1677 of the PLEC protein (p.Glu1677Val).